The following is an entry in ClinVar:

ClinVar aggregate classification (germline): Uncertain significance (1 of 4 stars; one submission).

Submission:

Labcorp Genetics (formerly Invitae), Labcorp
Classification: Uncertain significance. Last evaluated: 2022-06-13. Review status: criteria provided, single submitter. Criteria: Invitae Variant Classification Sherloc (09022015). Collection method: clinical testing. Allele origin: germline.
Comment: In summary, the available evidence is currently insufficient to determine the role of this variant in disease. Therefore, it has been classified as a Variant of Uncertain Significance. Algorithms developed to predict the effect of missense changes on protein structure and function are either unavailable or do not agree on the potential impact of this missense change (SIFT: "Deleterious"; PolyPhen-2: "Benign"; Align-GVGD: "Class C0"). ClinVar contains an entry for this variant (Variation ID: 1003625). This variant has not been reported in the literature in individuals affected with CACNA1F-related conditions. This variant is not present in population databases (gnomAD no frequency). This sequence change replaces proline, which is neutral and non-polar, with alanine, which is neutral and non-polar, at codon 1572 of the CACNA1F protein (p.Pro1572Ala).

NM_001256789.3(CACNA1F):c.4681C>G (p.Pro1561Ala)

Genes: CACNA1F (calcium voltage-gated channel subunit alpha1 F; minus strand), LOC126863257 (BRD4-independent group 4 enhancer GRCh37_chrX:49065732-49066931; plus strand). Cytogenetic location: Xp11.23.
Variant type: single nucleotide variant.
Coding change: c.4681C>G on transcript NM_001256789.3 (MANE Select); coding-DNA position 4681, C replaced by G.
Protein change: p.Pro1561Ala; replaces proline 1561 with alanine.
Molecular consequence: missense variant.
Genome position (GRCh38, 1-based): chrX:49,209,950, G>C on the plus strand (C>G on the coding strand, the complement: CACNA1F is on the minus strand). VCF-style: chrX-49209950-G-C. GRCh37 (hg19) VCF-style: chrX-49066410-G-C.
Other names: c.4519C>G, p.Pro1507Ala (NM_001256790.3); c.4714C>G, p.Pro1572Ala (NM_005183.4); short protein forms P1507A, P1561A, P1572A.
Identifiers: ClinVar variation 1003625 (VCV001003625.9), dbSNP rs1557105822, ClinGen allele CA412960458.